The following is an entry in ClinVar:

ClinVar aggregate classification (germline): Uncertain significance (1 of 4 stars; one submission).

Submission:

Labcorp Genetics (formerly Invitae), Labcorp
Classification: Uncertain significance. Last evaluated: 2024-01-29. Review status: criteria provided, single submitter. Criteria: Invitae Variant Classification Sherloc (09022015). Collection method: clinical testing. Allele origin: germline.
Comment: This sequence change replaces valine, which is neutral and non-polar, with alanine, which is neutral and non-polar, at codon 61 of the ROM1 protein (p.Val61Ala). This variant is not present in population databases (gnomAD no frequency). This variant has not been reported in the literature in individuals affected with ROM1-related conditions. Advanced modeling of protein sequence and biophysical properties (such as structural, functional, and spatial information, amino acid conservation, physicochemical variation, residue mobility, and thermodynamic stability) performed at Invitae indicates that this missense variant is not expected to disrupt ROM1 protein function with a negative predictive value of 80%. In summary, the available evidence is currently insufficient to determine the role of this variant in disease. Therefore, it has been classified as a Variant of Uncertain Significance.

NM_000327.4(ROM1):c.182T>C (p.Val61Ala)

Gene: ROM1 (retinal outer segment membrane protein 1; plus strand). Cytogenetic location: 11q12.3.
Variant type: single nucleotide variant.
Coding change: c.182T>C on transcript NM_000327.4 (MANE Select); coding-DNA position 182, T replaced by C.
Protein change: p.Val61Ala; replaces valine 61 with alanine.
Molecular consequence: missense variant.
Genome position (GRCh38, 1-based): chr11:62,613,463, T>C. VCF-style: chr11-62613463-T-C. GRCh37 (hg19) VCF-style: chr11-62380935-T-C.
Other names: short protein forms V61A.
Identifiers: ClinVar variation 2702261 (VCV002702261.3), dbSNP rs2496220653, ClinGen allele CA380968783.